The following is an entry in ClinVar:

ClinVar aggregate classification (germline): Pathogenic (1 of 4 stars; one submission).

Conditions:
Tyrosinemia type I (TYRSN1). Also called: FAH DEFICIENCY; HEPATORENAL TYROSINEMIA; Tyrosinemia type 1; Fumarylacetoacetase deficiency; Deficiency of fumarylacetoacetase. Identifiers: Orphanet 882, MedGen C0268490, MONDO:0010161, OMIM 276700. Disease mechanism: loss of function.

Submission:

Myriad Genetics, Inc.
Classification: Pathogenic for Tyrosinemia type I. Last evaluated: 2024-07-26. Review status: criteria provided, single submitter. Criteria: Myriad Autosomal Dominant, Autosomal Recessive and X-Linked Classification Criteria (2023). Collection method: clinical testing. Allele origin: unknown.
Comment: NM_000137.2(FAH):c.711delA(D238Tfs*66) is expected to be pathogenic in the context of tyrosinemia type I. This variant is predicted to lead to an abnormal or absent protein product due to the creation of a premature termination codon in FAH, a gene where loss-of-function variants are known to be pathogenic. Please note: this variant was assessed in the context of healthy population screening.

NM_000137.4(FAH):c.711del (p.Asp238fs)

Gene: FAH (fumarylacetoacetate hydrolase; plus strand). Cytogenetic location: 15q25.1.
Variant type: Deletion.
Coding change: c.711del on transcript NM_000137.4 (MANE Select); coding-DNA position 711, one base deleted (A; older notation c.711delA).
Protein change: p.Asp238fs; shifts the reading frame from aspartic acid 238.
Molecular consequence: frameshift variant.
Genome position (GRCh38, 1-based): chr15:80,173,018, A deleted. VCF-style (leftmost placement, unchanged base first): chr15-80173017-GA-G. GRCh37 (hg19) VCF-style: chr15-80465359-GA-G.
Other names: c.711del, p.Asp238fs (NM_001374377.1, NM_001374380.1); short protein forms D238fs.
Identifiers: ClinVar variation 5013373 (VCV005013373.1).